The following is an entry in ClinVar:

ClinVar aggregate classification (germline): Uncertain significance. Review status: criteria provided, multiple submitters, no conflicts (2 of 4 stars). 2 submissions from 2 submitters: Uncertain significance (2). Last evaluated 2023-03-17.

Allele frequency attached by ClinVar (database versions not stated): ExAC 0.00002; TOPMed 0.00002; gnomAD exomes 0.00005.
gnomAD v4.1: 13 of 1,614,126 alleles (0.00081%); highest among the groups gnomAD compares: East Asian, 0.013%; no homozygotes.

Submissions (2):

Ambry Genetics
Classification: Uncertain significance. Last evaluated: 2023-03-17. Review status: criteria provided, single submitter. Criteria: Ambry Variant Classification Scheme 2023. Collection method: clinical testing. Allele origin: germline.

Labcorp Genetics (formerly Invitae), Labcorp
Classification: Uncertain significance. Last evaluated: 2022-10-03. Review status: criteria provided, single submitter. Criteria: Invitae Variant Classification Sherloc (09022015). Collection method: clinical testing. Allele origin: germline.
Comment: This sequence change replaces serine, which is neutral and polar, with leucine, which is neutral and non-polar, at codon 190 of the DEF6 protein (p.Ser190Leu). This variant is present in population databases (rs761408118, gnomAD 0.05%). This variant has not been reported in the literature in individuals affected with DEF6-related conditions. ClinVar contains an entry for this variant (Variation ID: 1441139). Algorithms developed to predict the effect of missense changes on protein structure and function are either unavailable or do not agree on the potential impact of this missense change (SIFT: "Deleterious"; PolyPhen-2: "Possibly Damaging"; Align-GVGD: "Class C0"). In summary, the available evidence is currently insufficient to determine the role of this variant in disease. Therefore, it has been classified as a Variant of Uncertain Significance.

NM_022047.4(DEF6):c.569C>T (p.Ser190Leu)

Gene: DEF6 (DEF6 guanine nucleotide exchange factor; plus strand). Cytogenetic location: 6p21.31.
Variant type: single nucleotide variant.
Coding change: c.569C>T on transcript NM_022047.4 (MANE Select); coding-DNA position 569, C replaced by T.
Protein change: p.Ser190Leu; replaces serine 190 with leucine.
Molecular consequence: missense variant.
Genome position (GRCh38, 1-based): chr6:35,312,447, C>T. VCF-style: chr6-35312447-C-T. GRCh37 (hg19) VCF-style: chr6-35280224-C-T.
Other names: c.569C>T (NM_022047.3); short protein forms S190L.
Identifiers: ClinVar variation 1441139 (VCV001441139.7), dbSNP rs761408118, ClinGen allele CA3770747.